The following is an entry in ClinVar:

NM_001077418.3(TMEM231):c.284del (p.Asp95fs)

Gene: TMEM231 (transmembrane protein 231; minus strand). Cytogenetic location: 16q23.1.
Variant type: Deletion.
Coding change: c.284del on transcript NM_001077418.3 (MANE Select); coding-DNA position 284, one base deleted (A; older notation c.284delA).
Protein change: p.Asp95fs; shifts the reading frame from aspartic acid 95.
Molecular consequence: frameshift variant. On other transcripts: non-coding transcript variant (1).
Genome position (GRCh38, 1-based): chr16:75,555,829, T deleted on the plus strand (A on the coding strand, the reverse complement: TMEM231 is on the minus strand). VCF-style (leftmost placement, unchanged base first): chr16-75555828-AT-A. GRCh37 (hg19) VCF-style: chr16-75589726-AT-A.
Other names: c.443del, p.Asp148fs (NM_001077416.2); short protein forms D148fs, D95fs.
Identifiers: ClinVar variation 1362349 (VCV001362349.7), dbSNP rs750897443, ClinGen allele CA8176246.

ClinVar aggregate classification (germline): Pathogenic/Likely pathogenic. Review status: criteria provided, multiple submitters, no conflicts (2 of 4 stars). 2 submissions from 2 submitters: Pathogenic (1); Likely pathogenic (1). Last evaluated 2024-03-25.

Conditions:
Joubert syndrome 20 (JBTS20). Identifiers: Orphanet 475, MedGen C3554235, MONDO:0013994, OMIM 614970.
Meckel syndrome, type 11 (MKS11). Identifiers: Orphanet 564, MedGen C3809352, MONDO:0014164, OMIM 615397.

Allele frequency attached by ClinVar (database versions not stated): gnomAD exomes 0.00002 and 0.00003; ExAC 0.00016.

Submissions (2):

Fulgent Genetics
Classification: Likely pathogenic for Joubert syndrome 20; Meckel syndrome, type 11. Last evaluated: 2024-03-25. Review status: criteria provided, single submitter. Criteria: ACMG Guidelines, 2015. Collection method: clinical testing. Allele origin: germline.

Labcorp Genetics (formerly Invitae), Labcorp
Classification: Pathogenic for Joubert syndrome 20; Meckel syndrome, type 11. Last evaluated: 2023-06-30. Review status: criteria provided, single submitter. Criteria: Invitae Variant Classification Sherloc (09022015). Collection method: clinical testing. Allele origin: germline.
Comment: This sequence change creates a premature translational stop signal (p.Asp148Valfs*45) in the TMEM231 gene. It is expected to result in an absent or disrupted protein product. Loss-of-function variants in TMEM231 are known to be pathogenic (PMID: 23012439, 23349226). This variant is present in population databases (rs750897443, gnomAD 0.005%). This variant has not been reported in the literature in individuals affected with TMEM231-related conditions. ClinVar contains an entry for this variant (Variation ID: 1362349). For these reasons, this variant has been classified as Pathogenic.

Literature cited by the submitters: PubMed 23012439 (cited by Labcorp Genetics (formerly Invitae), Labcorp); PubMed 23349226 (cited by Labcorp Genetics (formerly Invitae), Labcorp).